The following is an entry in ClinVar:

NM_002080.4(GOT2):c.874A>T (p.Thr292Ser)

Gene: GOT2 (glutamic-oxaloacetic transaminase 2; minus strand). Cytogenetic location: 16q21.
Variant type: single nucleotide variant.
Coding change: c.874A>T on transcript NM_002080.4 (MANE Select); coding-DNA position 874, A replaced by T.
Protein change: p.Thr292Ser; replaces threonine 292 with serine.
Molecular consequence: missense variant.
Genome position (GRCh38, 1-based): chr16:58,716,159, T>A on the plus strand (A>T on the coding strand, the complement: GOT2 is on the minus strand). VCF-style: chr16-58716159-T-A. GRCh37 (hg19) VCF-style: chr16-58750063-T-A.
Other names: c.745A>T, p.Thr249Ser (NM_001286220.2); short protein forms T292S, T249S.
Identifiers: ClinVar variation 4741209 (VCV004741209.1).

ClinVar aggregate classification (germline): Uncertain significance (1 of 4 stars; one submission).

Submission:

Labcorp Genetics (formerly Invitae), Labcorp
Classification: Uncertain significance. Last evaluated: 2025-04-09. Review status: criteria provided, single submitter. Criteria: Invitae Variant Classification Sherloc (09022015). Collection method: clinical testing. Allele origin: germline.
Comment: This sequence change replaces threonine, which is neutral and polar, with serine, which is neutral and polar, at codon 292 of the GOT2 protein (p.Thr292Ser). This variant is not present in population databases (gnomAD no frequency). This variant has not been reported in the literature in individuals affected with GOT2-related conditions. Invitae Evidence Modeling of protein sequence and biophysical properties (such as structural, functional, and spatial information, amino acid conservation, physicochemical variation, residue mobility, and thermodynamic stability) indicates that this missense variant is not expected to disrupt GOT2 protein function with a negative predictive value of 80%. In summary, the available evidence is currently insufficient to determine the role of this variant in disease. Therefore, it has been classified as a Variant of Uncertain Significance.